The following is an entry in ClinVar:

ClinVar aggregate classification (germline): Uncertain significance (1 of 4 stars; one submission).

Conditions:
Familial hemophagocytic lymphohistiocytosis 3 (FHL3). Also called: UNC13D-Related Familial Hemophagocytic Lymphohistiocytosis (UNC13D-fHLH). Identifiers: Orphanet 540, MedGen C1837174, MONDO:0012146, OMIM 608898.

Submission:

Labcorp Genetics (formerly Invitae), Labcorp
Classification: Uncertain significance for Familial hemophagocytic lymphohistiocytosis 3. Last evaluated: 2025-10-23. Review status: criteria provided, single submitter. Criteria: Invitae Variant Classification Sherloc (09022015). Collection method: clinical testing. Allele origin: germline.
Comment: This sequence change is expected to alter the c-terminus of the UNC13D protein (p.Lys1079Serfs*48). While this is not anticipated to result in nonsense mediated decay, it is expected to disrupt the last 12 amino acid(s) of the UNC13D protein and extend the protein by 35 additional amino acid residues. This variant is present in population databases (rs763287992, gnomAD 0.02%). This variant has not been reported in the literature in individuals affected with UNC13D-related conditions. ClinVar contains an entry for this variant (Variation ID: 1348414). Experimental studies and prediction algorithms are not available or were not evaluated, and the functional significance of this variant is currently unknown. In summary, the available evidence is currently insufficient to determine the role of this variant in disease. Therefore, it has been classified as a Variant of Uncertain Significance.

NM_199242.3(UNC13D):c.3236del (p.Lys1079fs)

Gene: UNC13D (unc-13 homolog D; minus strand). Cytogenetic location: 17q25.1.
Variant type: Deletion.
Coding change: c.3236del on transcript NM_199242.3 (MANE Select); coding-DNA position 3236, one base deleted (A; older notation c.3236delA).
Protein change: p.Lys1079fs; shifts the reading frame from lysine 1079.
Molecular consequence: frameshift variant.
Genome position (GRCh38, 1-based): chr17:75,828,002, T deleted on the plus strand (A on the coding strand, the reverse complement: UNC13D is on the minus strand); the first of 2 consecutive T bases (chr17:75,828,002-75,828,003); deleting either gives the same sequence. VCF-style (leftmost placement, unchanged base first): chr17-75828001-CT-C. GRCh37 (hg19) VCF-style: chr17-73824082-CT-C.
Other names: short protein forms K1079fs.
Identifiers: ClinVar variation 1348414 (VCV001348414.6), dbSNP rs763287992, ClinGen allele CA8772214.